The following is an entry in ClinVar:

NM_001848.3(COL6A1):c.2275G>A (p.Val759Met)

Gene: COL6A1 (collagen type VI alpha 1 chain; plus strand). Cytogenetic location: 21q22.3.
Variant type: single nucleotide variant.
Coding change: c.2275G>A on transcript NM_001848.3 (MANE Select); coding-DNA position 2275, G replaced by A.
Protein change: p.Val759Met; replaces valine 759 with methionine.
Molecular consequence: missense variant.
Genome position (GRCh38, 1-based): chr21:46,002,551, G>A. VCF-style: chr21-46002551-G-A. GRCh37 (hg19) VCF-style: chr21-47422465-G-A.
Other names: short protein forms V759M.
Identifiers: ClinVar variation 432580 (VCV000432580.9), dbSNP rs373383488, ClinGen allele CA10070835.

ClinVar aggregate classification (germline): Conflicting classifications of pathogenicity. Review status: criteria provided, conflicting classifications (1 of 4 stars). 2 submissions from 2 submitters: Uncertain significance (1); Benign (1). Last evaluated 2025-05-13.

Conditions:
Bethlem myopathy 1A. Also called: Bethlem myopathy 1; MYOPATHY, BENIGN CONGENITAL, WITH CONTRACTURES; Bethlem Muscular Dystrophy. Identifiers: Orphanet 610, MedGen CN029274, MONDO:0024530, OMIM 158810.

Allele frequency attached by ClinVar (database versions not stated): ExAC 0.00002; gnomAD exomes 0.00002; TOPMed 0.00002; gnomAD 0.00006; ESP Exome Variant Server 0.00008; 1000 Genomes Project 0.00020; 1000 Genomes Project 30x 0.00031.
gnomAD v4.1: 32 of 1,614,138 alleles (0.002%); highest among the groups gnomAD compares: Middle Eastern, 0.049%; no homozygotes.

Submissions (2):

Labcorp Genetics (formerly Invitae), Labcorp
Classification: Benign for Bethlem myopathy 1A. Last evaluated: 2025-05-13. Review status: criteria provided, single submitter. Criteria: Invitae Variant Classification Sherloc (09022015). Collection method: clinical testing. Allele origin: germline.

GeneDx
Classification: Uncertain significance. Last evaluated: 2021-08-27. Review status: criteria provided, single submitter. Criteria: GeneDx Variant Classification Process June 2021. Collection method: clinical testing. Allele origin: germline. Affected: yes.
Comment: Has not been previously published as pathogenic or benign to our knowledge; In silico analysis supports that this missense variant does not alter protein structure/function